The following is an entry in ClinVar:

NM_003002.4(SDHD):c.72A>C (p.Pro24=)

Gene: SDHD (succinate dehydrogenase complex subunit D; plus strand). Cytogenetic location: 11q23.1.
Variant type: single nucleotide variant.
Coding change: c.72A>C on transcript NM_003002.4 (MANE Select); coding-DNA position 72, A replaced by C.
Protein change: p.Pro24=; no amino-acid change (proline 24 retained).
Molecular consequence: synonymous variant. On other transcripts: non-coding transcript variant (1), intron variant (1).
Genome position (GRCh38, 1-based): chr11:112,087,876, A>C. VCF-style: chr11-112087876-A-C. GRCh37 (hg19) VCF-style: chr11-111958600-A-C.
Other names: c.72A>C, p.Pro24= (NM_001276503.2, NM_001276506.2); c.52+917A>C (NM_001276504.2).
Identifiers: ClinVar variation 766490 (VCV000766490.15), dbSNP rs1413100881, ClinGen allele CA476789507.

ClinVar aggregate classification (germline): Benign/Likely benign. Review status: criteria provided, multiple submitters, no conflicts (2 of 4 stars). 3 submissions from 3 submitters: Benign (1); Likely benign (2). Last evaluated 2025-05-11.

Conditions:
Pheochromocytoma/paraganglioma syndrome 1. Also called: Paragangliomas 1; Glomus tumors familial 1; PARAGANGLIOMAS, FAMILIAL NONCHROMAFFIN, 1; PGL 1; Paragangliomas familial 1; Paraganglioma - glomus jugulare. Identifiers: Orphanet 29072, MedGen C3494181, MONDO:0008192, OMIM 168000.
Cowden syndrome 3 (CWS3). Identifiers: Orphanet 201, MedGen CN166604, MONDO:0014045.
Carney-Stratakis syndrome. Also called: PARAGANGLIOMA AND GASTROINTESTINAL STROMAL TUMOR. Identifiers: Orphanet 97286, MedGen C1847319, MONDO:0011740, OMIM 606864.
Paragangliomas with sensorineural hearing loss. Identifiers: MedGen C1868633.
Pheochromocytoma. Also called: MAX-Related Hereditary Paraganglioma-Pheochromocytoma Syndrome. Identifiers: Orphanet 29072, MedGen C0031511, MONDO:0008233, OMIM 171300, HP:0002666.
Hereditary cancer-predisposing syndrome. Also called: Neoplastic Syndromes, Hereditary; Hereditary neoplastic syndrome; Tumor predisposition; Hereditary Cancer Syndrome. Identifiers: Orphanet 140162, MedGen C0027672, MeSH D009386, MONDO:0015356.

Submissions (3):

Labcorp Genetics (formerly Invitae), Labcorp
Classification: Likely benign for Carney-Stratakis syndrome; Paragangliomas with sensorineural hearing loss; Pheochromocytoma; Cowden syndrome 3. Last evaluated: 2025-05-11. Review status: criteria provided, single submitter. Criteria: Invitae Variant Classification Sherloc (09022015). Collection method: clinical testing. Allele origin: germline.

Myriad Genetics, Inc.
Classification: Benign for Pheochromocytoma/paraganglioma syndrome 1. Last evaluated: 2025-03-17. Review status: criteria provided, single submitter. Criteria: Myriad Autosomal Dominant, Autosomal Recessive and X-Linked Classification Criteria (2023). Collection method: clinical testing. Allele origin: unknown.
Comment: This variant is considered benign. This variant is a silent/synonymous amino acid change and it is not expected to impact splicing.

Ambry Genetics
Classification: Likely benign for Hereditary cancer-predisposing syndrome. Last evaluated: 2021-06-28. Review status: criteria provided, single submitter. Criteria: Ambry Variant Classification Scheme 2023. Collection method: clinical testing. Allele origin: germline.